The following is an entry in ClinVar:

NM_004946.3(DOCK2):c.1986G>T (p.Glu662Asp)

Gene: DOCK2 (dedicator of cytokinesis 2; plus strand). Cytogenetic location: 5q35.1.
Variant type: single nucleotide variant.
Coding change: c.1986G>T on transcript NM_004946.3 (MANE Select); coding-DNA position 1986, G replaced by T.
Protein change: p.Glu662Asp; replaces glutamic acid 662 with aspartic acid.
Molecular consequence: missense variant. On other transcripts: non-coding transcript variant (1).
Genome position (GRCh38, 1-based): chr5:169,716,257, G>T. VCF-style: chr5-169716257-G-T. GRCh37 (hg19) VCF-style: chr5-169143261-G-T.
Other names: short protein forms E662D.
Identifiers: ClinVar variation 842946 (VCV000842946.9), dbSNP rs368933125, ClinGen allele CA3553638.

ClinVar aggregate classification (germline): Uncertain significance. Review status: criteria provided, multiple submitters, no conflicts (2 of 4 stars). 2 submissions from 2 submitters: Uncertain significance (2). Last evaluated 2025-01-06.

Conditions:
Inborn genetic diseases. Identifiers: MedGen C0950123, MeSH D030342.
DOCK2 deficiency. Also called: Immunodeficiency 40. Identifiers: Orphanet 447737, MedGen C4225328, MONDO:0014637, OMIM 616433.

Allele frequency attached by ClinVar (database versions not stated): gnomAD 0.00001; TOPMed 0.00002.
gnomAD v4.1: 44 of 1,613,644 alleles (0.0027%); highest among the groups gnomAD compares: Middle Eastern, 0.082%; no homozygotes.

Submissions (2):

Labcorp Genetics (formerly Invitae), Labcorp
Classification: Uncertain significance for DOCK2 deficiency. Last evaluated: 2025-01-06. Review status: criteria provided, single submitter. Criteria: Invitae Variant Classification Sherloc (09022015). Collection method: clinical testing. Allele origin: germline.
Comment: This sequence change replaces glutamic acid, which is acidic and polar, with aspartic acid, which is acidic and polar, at codon 662 of the DOCK2 protein (p.Glu662Asp). This variant is present in population databases (rs368933125, gnomAD 0.01%). This variant has not been reported in the literature in individuals affected with DOCK2-related conditions. ClinVar contains an entry for this variant (Variation ID: 842946). An algorithm developed to predict the effect of missense changes on protein structure and function (PolyPhen-2) suggests that this variant is likely to be disruptive. In summary, the available evidence is currently insufficient to determine the role of this variant in disease. Therefore, it has been classified as a Variant of Uncertain Significance.

Ambry Genetics
Classification: Uncertain significance for Inborn genetic diseases. Last evaluated: 2021-07-14. Review status: criteria provided, single submitter. Criteria: Ambry Variant Classification Scheme 2023. Collection method: clinical testing. Allele origin: germline.